The following is an entry in ClinVar:

ClinVar aggregate classification (germline): Pathogenic. Review status: criteria provided, multiple submitters, no conflicts (2 of 4 stars). 2 submissions from 2 submitters: Pathogenic (2). Last evaluated 2025-05-27.

Conditions:
Hereditary cancer-predisposing syndrome. Also called: Hereditary Cancer Syndrome; Hereditary neoplastic syndrome; Neoplastic Syndromes, Hereditary; Tumor predisposition. Identifiers: Orphanet 140162, MedGen C0027672, MeSH D009386, MONDO:0015356.
Hereditary breast ovarian cancer syndrome. Also called: BRCA1- and BRCA2-Associated Hereditary Breast and Ovarian Cancer; Hereditary breast and ovarian cancer; Hereditary breast and ovarian cancer syndrome (HBOC); Hereditary breast and/or ovarian cancer syndrome; Hereditary breast and ovarian cancer syndrome; Breast and ovarian cancer. Identifiers: Orphanet 145, MedGen C0677776, MeSH D061325, MONDO:0003582. Disease mechanism: loss of function.

Submissions (2):

Ambry Genetics
Classification: Pathogenic for Hereditary cancer-predisposing syndrome. Last evaluated: 2025-05-27. Review status: criteria provided, single submitter. Criteria: Ambry Variant Classification Scheme 2023. Collection method: clinical testing. Allele origin: germline.
Comment: The c.2157delA pathogenic mutation, located in coding exon 9 of the BRCA1 gene, results from a deletion of one nucleotide at nucleotide position 2157, causing a translational frameshift with a predicted alternate stop codon (p.E720Nfs*16). This variant is considered to be rare based on population cohorts in the Genome Aggregation Database (gnomAD). This alteration is expected to result in loss of function by premature protein truncation or nonsense-mediated mRNA decay. As such, this alteration is interpreted as a disease-causing mutation.

Labcorp Genetics (formerly Invitae), Labcorp
Classification: Pathogenic for Hereditary breast ovarian cancer syndrome. Last evaluated: 2023-09-17. Review status: criteria provided, single submitter. Criteria: Invitae Variant Classification Sherloc (09022015). Collection method: clinical testing. Allele origin: germline.
Comment: For these reasons, this variant has been classified as Pathogenic. This sequence change creates a premature translational stop signal (p.Glu720Asnfs*16) in the BRCA1 gene. It is expected to result in an absent or disrupted protein product. Loss-of-function variants in BRCA1 are known to be pathogenic (PMID: 20104584). This variant is not present in population databases (gnomAD no frequency). This variant has not been reported in the literature in individuals affected with BRCA1-related conditions. ClinVar contains an entry for this variant (Variation ID: 1451304).

Literature cited by the submitters: PubMed 20104584 (cited by Labcorp Genetics (formerly Invitae), Labcorp).

NM_007294.4(BRCA1):c.2157del (p.Glu720fs)

Gene: BRCA1 (BRCA1 DNA repair associated; minus strand). Cytogenetic location: 17q21.31.
Variant type: Deletion.
Coding change: c.2157del on transcript NM_007294.4 (MANE Select); coding-DNA position 2157, one base deleted (A; older notation c.2157delA).
Protein change: p.Glu720fs; shifts the reading frame from glutamic acid 720.
Molecular consequence: frameshift variant. On other transcripts: intron variant (137).
Genome position (GRCh38, 1-based): chr17:43,093,374, T deleted on the plus strand (A on the coding strand, the reverse complement: BRCA1 is on the minus strand); the first of 3 consecutive T bases (chr17:43,093,374-43,093,376); deleting any one gives the same sequence. VCF-style (leftmost placement, unchanged base first): chr17-43093373-CT-C. GRCh37 (hg19) VCF-style: chr17-41245390-CT-C.
Other names: c.1944del, p.Glu649fs (NM_001407571.1, NM_001407853.1, NM_001407894.1 and 9 more transcripts); c.2157del, p.Glu720fs (NM_001407581.1, NM_001407582.1, NM_001407583.1 and 30 more transcripts); c.2154del, p.Glu719fs (NM_001407587.1, NM_001407590.1, NM_001407591.1 and 22 more transcripts); c.2148del, p.Glu717fs (NM_001407646.1, NM_001407647.1); c.2034del, p.Glu679fs (NM_001407648.1, NM_001407664.1, NM_001407665.1 and 19 more transcripts); c.2031del, p.Glu678fs (NM_001407649.1, NM_001407670.1, NM_001407671.1 and 11 more transcripts); c.2079del, p.Glu694fs (NM_001407653.1, NM_001407654.1, NM_001407655.1 and 4 more transcripts); c.2076del, p.Glu693fs (NM_001407659.1, NM_001407660.1, NM_001407661.1 and 1 more transcripts); and 42 more; short protein forms E673fs, E720fs, E593fs, E608fs, E609fs, E672fs, E719fs, E424fs.
Identifiers: ClinVar variation 1451304 (VCV001451304.8), dbSNP rs80357715, ClinGen allele CA2573154054.